The following is an entry in ClinVar:

ClinVar aggregate classification (germline): Uncertain significance (1 of 4 stars; one submission).

Conditions:
Developmental and epileptic encephalopathy, 53. Also called: Epileptic encephalopathy, early infantile, 53. Identifiers: MedGen C4479313, MONDO:0033362, OMIM 617389.
Early-onset Parkinson disease 20. Also called: PARKINSON DISEASE 20, AUTOSOMAL RECESSIVE EARLY-ONSET. Identifiers: Orphanet 391411, MedGen C3809824, MONDO:0014233, OMIM 615530.

Allele frequency attached by ClinVar (database versions not stated): gnomAD exomes below 0.00001; TOPMed 0.00002.
gnomAD v4.1: 2 of 1,589,168 alleles (0.00013%); highest among the groups gnomAD compares: East Asian, 0.0023%; no homozygotes.

Submission:

Labcorp Genetics (formerly Invitae), Labcorp
Classification: Uncertain significance for Developmental and epileptic encephalopathy, 53; Early-onset Parkinson disease 20. Last evaluated: 2022-02-04. Review status: criteria provided, single submitter. Criteria: Invitae Variant Classification Sherloc (09022015). Collection method: clinical testing. Allele origin: germline.
Comment: This variant is not present in population databases (gnomAD no frequency). In summary, the available evidence is currently insufficient to determine the role of this variant in disease. Therefore, it has been classified as a Variant of Uncertain Significance. Algorithms developed to predict the effect of missense changes on protein structure and function are either unavailable or do not agree on the potential impact of this missense change (SIFT: "Tolerated"; PolyPhen-2: "Probably Damaging"; Align-GVGD: "Class C0"). ClinVar contains an entry for this variant (Variation ID: 852235). This variant has not been reported in the literature in individuals affected with SYNJ1-related conditions. This sequence change replaces glycine, which is neutral and non-polar, with aspartic acid, which is acidic and polar, at codon 110 of the SYNJ1 protein (p.Gly110Asp).

NM_203446.3(SYNJ1):c.212G>A (p.Gly71Asp)

Gene: SYNJ1 (synaptojanin 1; minus strand). Cytogenetic location: 21q22.11.
Variant type: single nucleotide variant.
Coding change: c.212G>A on transcript NM_203446.3 (MANE Select); coding-DNA position 212, G replaced by A.
Protein change: p.Gly71Asp; replaces glycine 71 with aspartic acid.
Molecular consequence: missense variant.
Genome position (GRCh38, 1-based): chr21:32,700,105, C>T on the plus strand (G>A on the coding strand, the complement: SYNJ1 is on the minus strand). VCF-style: chr21-32700105-C-T. GRCh37 (hg19) VCF-style: chr21-34072415-C-T.
Other names: c.212G>A, p.Gly71Asp (NM_001160302.2, NM_001160306.2); c.329G>A, p.Gly110Asp (NM_003895.4); short protein forms G110D, G71D.
Identifiers: ClinVar variation 852235 (VCV000852235.7), dbSNP rs1438911029, ClinGen allele CA410102154.